The following is an entry in ClinVar:

ClinVar aggregate classification (germline): Benign (0 of 4 stars; one submission).

Conditions:
ATE1-related disorder. Also called: ATE1-related condition.

Allele frequency attached by ClinVar (database versions not stated): 1000 Genomes Project 30x 0.11446; 1000 Genomes Project 0.11601; TOPMed 0.12909; gnomAD 0.13053; ESP Exome Variant Server 0.13378; gnomAD exomes 0.16181; ExAC 0.16478.
gnomAD v4.1: 241,316 of 1,521,410 alleles (16%); highest among the groups gnomAD compares: East Asian, 18%; 20,216 homozygotes.

Submission:

PreventionGenetics, part of Exact Sciences
Classification: Benign for ATE1-related condition. Last evaluated: 2019-10-28. Review status: no assertion criteria provided. Collection method: clinical testing. Allele origin: germline.
Comment: This variant is classified as benign based on ACMG/AMP sequence variant interpretation guidelines (Richards et al. 2015 PMID: 25741868, with internal and published modifications).

NM_001001976.3(ATE1):c.1157+7T>C

Gene: ATE1 (arginyltransferase 1; minus strand). Cytogenetic location: 10q26.13.
Variant type: single nucleotide variant.
Coding change: c.1157+7T>C on transcript NM_001001976.3 (MANE Select); 7 bases into the intron after coding-DNA position 1157, T replaced by C.
Molecular consequence: intron variant.
Genome position (GRCh38, 1-based): chr10:121,841,075, A>G on the plus strand (T>C on the coding strand, the complement: ATE1 is on the minus strand). VCF-style: chr10-121841075-A-G. GRCh37 (hg19) VCF-style: chr10-123600590-A-G.
Other names: c.1136+7T>C (NM_001288736.2); c.869+7T>C (NM_001288735.2); c.812+7T>C (NM_001288734.2); c.1157+7T>C (NM_007041.4).
Identifiers: ClinVar variation 3060051 (VCV003060051.2), dbSNP rs10886994, ClinGen allele CA5721430.